The following is an entry in ClinVar:

ClinVar aggregate classification (germline): Likely benign (1 of 4 stars; one submission).

gnomAD v4.1: 5 of 1,613,742 alleles (0.00031%); highest among the groups gnomAD compares: Admixed American, 0.0033%; no homozygotes.

Submission:

Mayo Clinic Laboratories, Mayo Clinic
Classification: Likely benign. Last evaluated: 2025-08-15. Review status: criteria provided, single submitter. Criteria: ACMG Guidelines, 2015. Collection method: clinical testing. Allele origin: germline. Observed: 1 variant allele.
Comment: BP4, BP7

NM_139242.4(MTFMT):c.486A>G (p.Thr162=)

Gene: MTFMT (mitochondrial methionyl-tRNA formyltransferase; minus strand). Cytogenetic location: 15q22.31.
Variant type: single nucleotide variant.
Coding change: c.486A>G on transcript NM_139242.4 (MANE Select); coding-DNA position 486, A replaced by G.
Protein change: p.Thr162=; no amino-acid change (threonine 162 retained).
Molecular consequence: synonymous variant.
Genome position (GRCh38, 1-based): chr15:65,023,728, T>C on the plus strand (A>G on the coding strand, the complement: MTFMT is on the minus strand). VCF-style: chr15-65023728-T-C. GRCh37 (hg19) VCF-style: chr15-65316066-T-C.
Other names: p.Thr162=.
Identifiers: ClinVar variation 4684002 (VCV004684002.1).